The following is an entry in ClinVar:

NM_005633.4(SOS1):c.213+4T>C

Gene: SOS1 (SOS Ras/Rac guanine nucleotide exchange factor 1; minus strand). Cytogenetic location: 2p22.1.
Variant type: single nucleotide variant.
Coding change: c.213+4T>C on transcript NM_005633.4 (MANE Select); 4 bases into the intron after coding-DNA position 213, T replaced by C.
Molecular consequence: intron variant.
Genome position (GRCh38, 1-based): chr2:39,067,624, A>G on the plus strand (T>C on the coding strand, the complement: SOS1 is on the minus strand). VCF-style: chr2-39067624-A-G. GRCh37 (hg19) VCF-style: chr2-39294765-A-G.
Other names: c.192+4T>C (NM_001382394.1); c.213+4T>C (NM_001382395.1).
Identifiers: ClinVar variation 1517487 (VCV001517487.6), dbSNP rs1325380102, ClinGen allele CA2573134615.

ClinVar aggregate classification (germline): Uncertain significance (1 of 4 stars; one submission).

Conditions:
RASopathy. Also called: rasopathies; Noonan spectrum disorder. Identifiers: Orphanet 536391, MedGen C5555857, MONDO:0021060.

Submission:

Labcorp Genetics (formerly Invitae), Labcorp
Classification: Uncertain significance for RASopathy. Last evaluated: 2022-09-29. Review status: criteria provided, single submitter. Criteria: Invitae Variant Classification Sherloc (09022015). Collection method: clinical testing. Allele origin: germline.
Comment: In summary, the available evidence is currently insufficient to determine the role of this variant in disease. Therefore, it has been classified as a Variant of Uncertain Significance. Variants that disrupt the consensus splice site are a relatively common cause of aberrant splicing (PMID: 17576681, 9536098). Algorithms developed to predict the effect of sequence changes on RNA splicing suggest that this variant is not likely to affect RNA splicing. ClinVar contains an entry for this variant (Variation ID: 1517487). This variant has not been reported in the literature in individuals affected with SOS1-related conditions. This variant is not present in population databases (gnomAD no frequency). This sequence change falls in intron 2 of the SOS1 gene. It does not directly change the encoded amino acid sequence of the SOS1 protein. It affects a nucleotide within the consensus splice site.

Literature cited by the submitters: PubMed 17576681; PubMed 9536098.